The following is an entry in ClinVar:

NM_001366385.1(CARD14):c.1919T>C (p.Val640Ala)

Genes: CARD14 (caspase recruitment domain family member 14; plus strand), SGSH (N-sulfoglucosamine sulfohydrolase; minus strand). Cytogenetic location: 17q25.3.
Variant type: single nucleotide variant.
Coding change: c.1919T>C on transcript NM_001366385.1 (MANE Select); coding-DNA position 1919, T replaced by C.
Protein change: p.Val640Ala; replaces valine 640 with alanine.
Molecular consequence: missense variant. On other transcripts: non-coding transcript variant (1).
Genome position (GRCh38, 1-based): chr17:80,201,811, T>C. VCF-style: chr17-80201811-T-C. GRCh37 (hg19) VCF-style: chr17-78175610-T-C.
Other names: c.1919T>C, p.Val640Ala (NM_001257970.1, NM_024110.4); c.1919T>C (NM_024110.3); short protein forms V640A.
Identifiers: ClinVar variation 862620 (VCV000862620.11), dbSNP rs1045262635, ClinGen allele CA294879235.

ClinVar aggregate classification (germline): Uncertain significance. Review status: criteria provided, multiple submitters, no conflicts (2 of 4 stars). 2 submissions from 2 submitters: Uncertain significance (2). Last evaluated 2025-12-15.

Conditions:
Psoriasis 2. Identifiers: MedGen C1864497, MONDO:0011269, OMIM 602723.
Pityriasis rubra pilaris (PRP). Also called: Pityriasis rubra pilaris--familial type. Identifiers: Orphanet 2897, MedGen C0032027, MONDO:0100017, OMIM 173200, MONDO:0008251.
Inborn genetic diseases. Identifiers: MedGen C0950123, MeSH D030342.

Allele frequency attached by ClinVar (database versions not stated): gnomAD exomes 0.00001; gnomAD 0.00002; TOPMed 0.00002.
gnomAD v4.1: 18 of 1,613,862 alleles (0.0011%); highest among the groups gnomAD compares: Non-Finnish European, 0.0014%; no homozygotes.

Submissions (2):

Ambry Genetics
Classification: Uncertain significance for Inborn genetic diseases. Last evaluated: 2025-12-15. Review status: criteria provided, single submitter. Criteria: Ambry Variant Classification Scheme 2023. Collection method: clinical testing. Allele origin: germline.

Labcorp Genetics (formerly Invitae), Labcorp
Classification: Uncertain significance for Pityriasis rubra pilaris; Psoriasis 2. Last evaluated: 2024-11-05. Review status: criteria provided, single submitter. Criteria: Invitae Variant Classification Sherloc (09022015). Collection method: clinical testing. Allele origin: germline.
Comment: This sequence change replaces valine, which is neutral and non-polar, with alanine, which is neutral and non-polar, at codon 640 of the CARD14 protein (p.Val640Ala). This variant is not present in population databases (gnomAD no frequency). This variant has not been reported in the literature in individuals affected with CARD14-related conditions. ClinVar contains an entry for this variant (Variation ID: 862620). Invitae Evidence Modeling of protein sequence and biophysical properties (such as structural, functional, and spatial information, amino acid conservation, physicochemical variation, residue mobility, and thermodynamic stability) indicates that this missense variant is not expected to disrupt CARD14 protein function with a negative predictive value of 95%. In summary, the available evidence is currently insufficient to determine the role of this variant in disease. Therefore, it has been classified as a Variant of Uncertain Significance.